The following is an entry in ClinVar:

NM_206933.4(USH2A):c.14609G>A (p.Cys4870Tyr)

Gene: USH2A (usherin; minus strand). Cytogenetic location: 1q41.
Variant type: single nucleotide variant.
Coding change: c.14609G>A on transcript NM_206933.4 (MANE Select); coding-DNA position 14609, G replaced by A.
Protein change: p.Cys4870Tyr; replaces cysteine 4870 with tyrosine.
Molecular consequence: missense variant.
Genome position (GRCh38, 1-based): chr1:215,647,704, C>T on the plus strand (G>A on the coding strand, the complement: USH2A is on the minus strand). VCF-style: chr1-215647704-C-T. GRCh37 (hg19) VCF-style: chr1-215821046-C-T.
Other names: short protein forms C4870Y.
Identifiers: ClinVar variation 1059659 (VCV001059659.11), dbSNP rs2102642261, ClinGen allele CA344832162.
Genomic context (GRCh38, chr1:215,647,704, plus strand): 5'-AGCCCCGTGTACTTTGTTTCTATTTGGCTGGGAGTACAGGGGAGGGCTGAGTCAGGAGGG[C>T]AAGCCACGTGGAATTGGAGTTCATAGCTAAAATGAGAATGGATACGTAGAGTCAAGACGG-3'
Protein context (NP_996816.3, residues 4860-4880): HSYELQFHVA[Cys4870Tyr]PPDSALPCTP

ClinVar aggregate classification (germline): Uncertain significance. Review status: criteria provided, multiple submitters, no conflicts (2 of 4 stars). 3 submissions from 3 submitters: Uncertain significance (2). 1 of the submissions does not count toward it. Last evaluated 2022-04-13.

Conditions:
Usher syndrome type 2A. Also called: RETINAL DISEASE IN USHER SYNDROME TYPE IIA, MODIFIER OF; USHER SYNDROME, TYPE IIA. Identifiers: Orphanet 231178, Orphanet 886, MedGen C1848634, MONDO:0010169, OMIM 276901.

Submissions (3):

Labcorp Genetics (formerly Invitae), Labcorp
Classification: Uncertain significance. Last evaluated: 2022-04-13. Review status: criteria provided, single submitter. Criteria: Invitae Variant Classification Sherloc (09022015). Collection method: clinical testing. Allele origin: germline.
Comment: In summary, the available evidence is currently insufficient to determine the role of this variant in disease. Therefore, it has been classified as a Variant of Uncertain Significance. Algorithms developed to predict the effect of missense changes on protein structure and function are either unavailable or do not agree on the potential impact of this missense change (SIFT: "Deleterious"; PolyPhen-2: "Probably Damaging"; Align-GVGD: "Class C0"). ClinVar contains an entry for this variant (Variation ID: 1059659). This variant has not been reported in the literature in individuals affected with USH2A-related conditions. This variant is not present in population databases (gnomAD no frequency). This sequence change replaces cysteine, which is neutral and slightly polar, with tyrosine, which is neutral and polar, at codon 4870 of the USH2A protein (p.Cys4870Tyr).

Blueprint Genetics
Classification: Uncertain significance. Last evaluated: 2021-08-24. Review status: criteria provided, single submitter. Criteria: ACMG Guidelines, 2015. Collection method: clinical testing. Allele origin: germline.

Natera, Inc.
Classification: Uncertain significance for Usher syndrome type 2A. Last evaluated: 2020-01-24. Review status: no assertion criteria provided. Collection method: clinical testing. Allele origin: germline. Not counted in ClinVar's aggregate classification.